The following is an entry in ClinVar:

ClinVar aggregate classification (germline): Pathogenic/Likely pathogenic. Review status: criteria provided, multiple submitters, no conflicts (2 of 4 stars). 3 submissions from 3 submitters: Pathogenic (1); Likely pathogenic (2). Last evaluated 2024-12-04.

Conditions:
SAG-related disorder. Also called: SAG-related condition; SAG-related disorders.
Retinitis pigmentosa (RP). Identifiers: Orphanet 791, MedGen C0035334, MeSH D012174, MONDO:0019200, OMIM 268000. Inheritance: Autosomal dominant, autosomal recessive and X linked inheritance.

Allele frequency attached by ClinVar (database versions not stated): gnomAD exomes 0.00003 and 0.00005; ExAC 0.00006; TOPMed below 0.00001.
gnomAD v4.1: 40 of 1,613,810 alleles (0.0025%); highest among the groups gnomAD compares: South Asian, 0.038%; no homozygotes.

Submissions (3):

Labcorp Genetics (formerly Invitae), Labcorp
Classification: Likely pathogenic. Last evaluated: 2024-12-04. Review status: criteria provided, single submitter. Criteria: Invitae Variant Classification Sherloc (09022015). Collection method: clinical testing. Allele origin: germline.
Comment: This sequence change affects an acceptor splice site in intron 14 of the SAG gene. It is expected to disrupt RNA splicing. Variants that disrupt the donor or acceptor splice site typically lead to a loss of protein function (PMID: 16199547), and loss-of-function variants in SAG are known to be pathogenic (PMID: 9452120, 15234147, 22665972). This variant is present in population databases (rs748204331, gnomAD 0.04%). Disruption of this splice site has been observed in individual(s) with autosomal recessive retinitis pigmentosa (PMID: 32531858). ClinVar contains an entry for this variant (Variation ID: 813237). Algorithms developed to predict the effect of sequence changes on RNA splicing suggest that this variant may disrupt the consensus splice site. In summary, the currently available evidence indicates that the variant is pathogenic, but additional data are needed to prove that conclusively. Therefore, this variant has been classified as Likely Pathogenic.

Blueprint Genetics
Classification: Likely pathogenic for SAG-related disorders. Last evaluated: 2023-05-22. Review status: criteria provided, single submitter. Criteria: ACMG Guidelines, 2015. Collection method: clinical testing. Allele origin: germline. Affected: yes. Observed: 3 variant alleles.

Molecular Genetics Laboratory, Institute for Ophthalmic Research
Classification: Pathogenic for Retinitis pigmentosa. Last evaluated: 2020-01-09. Review status: criteria provided, single submitter. Criteria: ACMG Guidelines, 2015. Collection method: research. Allele origin: germline. Affected: yes.

Literature cited by the submitters: PubMed 16199547 (cited by Labcorp Genetics (formerly Invitae), Labcorp); PubMed 9452120 (cited by Labcorp Genetics (formerly Invitae), Labcorp); PubMed 15234147 (cited by Labcorp Genetics (formerly Invitae), Labcorp); PubMed 22665972 (cited by Labcorp Genetics (formerly Invitae), Labcorp); PubMed 32531858 (cited by Labcorp Genetics (formerly Invitae), Labcorp).

NM_000541.5(SAG):c.1103-2A>C

Gene: SAG (S-antigen visual arrestin; plus strand). Cytogenetic location: 2q37.1.
Variant type: single nucleotide variant.
Coding change: c.1103-2A>C on transcript NM_000541.5 (MANE Select); the canonical splice acceptor site of the intron before coding-DNA position 1103, A replaced by C.
Molecular consequence: splice acceptor variant.
Genome position (GRCh38, 1-based): chr2:233,346,401, A>C. VCF-style: chr2-233346401-A-C. GRCh37 (hg19) VCF-style: chr2-234255047-A-C.
Identifiers: ClinVar variation 813237 (VCV000813237.9), dbSNP rs748204331, ClinGen allele CA2174684.